The following is an entry in ClinVar:

NM_014989.7(RIMS1):c.2591G>C (p.Trp864Ser)

Gene: RIMS1 (regulating synaptic membrane exocytosis 1; plus strand). Cytogenetic location: 6q13.
Variant type: single nucleotide variant.
Coding change: c.2591G>C on transcript NM_014989.7 (MANE Select); coding-DNA position 2591, G replaced by C.
Protein change: p.Trp864Ser; replaces tryptophan 864 with serine.
Molecular consequence: missense variant.
Genome position (GRCh38, 1-based): chr6:72,251,261, G>C. VCF-style: chr6-72251261-G-C. GRCh37 (hg19) VCF-style: chr6-72960964-G-C.
Other names: c.770G>C, p.Trp257Ser (NM_001168409.2, NM_001350461.2, NM_001350463.2 and 6 more transcripts); c.968G>C, p.Trp323Ser (NM_001168410.2, NM_001350472.2, NM_001350473.2 and 2 more transcripts); c.1013G>C, p.Trp338Ser (NM_001350414.2, NM_001350415.2, NM_001350416.2 and 37 more transcripts); c.944G>C, p.Trp315Ser (NM_001350421.2, NM_001350437.2, NM_001350450.2 and 6 more transcripts); short protein forms W338S, W315S, W323S, W257S, W864S.
Identifiers: ClinVar variation 3659042 (VCV003659042.2).
Genomic context (GRCh38, chr6:72,251,261, plus strand): 5'-AATTACCCTCTCAGATCCTCATAGAATTGGAGACAGCGCTTTTAGATGATGAACCGCATT[G>C]GTATAAACTTCAGACACATGATGAGTCTTCACTACCTCTGCCTCAGCCATCACCTTTCAT-3'
Protein context (NP_055804.2, residues 854-874): ETALLDDEPH[Trp864Ser]YKLQTHDESS

ClinVar aggregate classification (germline): Uncertain significance (1 of 4 stars; one submission).

gnomAD v4.1: 1 of 1,598,606 alleles (0.000063%); highest among the groups gnomAD compares: Non-Finnish European, 0.000085%; no homozygotes.

Submission:

Labcorp Genetics (formerly Invitae), Labcorp
Classification: Uncertain significance. Last evaluated: 2024-07-08. Review status: criteria provided, single submitter. Criteria: Invitae Variant Classification Sherloc (09022015). Collection method: clinical testing. Allele origin: germline.
Comment: This sequence change replaces tryptophan, which is neutral and slightly polar, with serine, which is neutral and polar, at codon 864 of the RIMS1 protein (p.Trp864Ser). This variant is not present in population databases (gnomAD no frequency). This variant has not been reported in the literature in individuals affected with RIMS1-related conditions. An algorithm developed to predict the effect of missense changes on protein structure and function (PolyPhen-2) suggests that this variant is likely to be disruptive. In summary, the available evidence is currently insufficient to determine the role of this variant in disease. Therefore, it has been classified as a Variant of Uncertain Significance.